The following is an entry in ClinVar:

ClinVar aggregate classification (germline): Uncertain significance (1 of 4 stars; one submission).

Allele frequency attached by ClinVar (database versions not stated): gnomAD exomes below 0.00001.
gnomAD v4.1: 4 of 1,613,296 alleles (0.00025%); highest among the groups gnomAD compares: Non-Finnish European, 0.00025%; no homozygotes.

Submission:

Labcorp Genetics (formerly Invitae), Labcorp
Classification: Uncertain significance. Last evaluated: 2023-10-10. Review status: criteria provided, single submitter. Criteria: Invitae Variant Classification Sherloc (09022015). Collection method: clinical testing. Allele origin: germline.
Comment: This sequence change replaces asparagine, which is neutral and polar, with lysine, which is basic and polar, at codon 226 of the KIDINS220 protein (p.Asn226Lys). This variant is not present in population databases (gnomAD no frequency). This variant has not been reported in the literature in individuals affected with KIDINS220-related conditions. An algorithm developed to predict the effect of missense changes on protein structure and function (PolyPhen-2) suggests that this variant is likely to be disruptive. In summary, the available evidence is currently insufficient to determine the role of this variant in disease. Therefore, it has been classified as a Variant of Uncertain Significance.

NM_020738.4(KIDINS220):c.678T>A (p.Asn226Lys)

Gene: KIDINS220 (kinase D interacting substrate 220; minus strand). Cytogenetic location: 2p25.1.
Variant type: single nucleotide variant.
Coding change: c.678T>A on transcript NM_020738.4 (MANE Select); coding-DNA position 678, T replaced by A.
Protein change: p.Asn226Lys; replaces asparagine 226 with lysine.
Molecular consequence: missense variant. On other transcripts: non-coding transcript variant (2).
Genome position (GRCh38, 1-based): chr2:8,803,053, A>T on the plus strand (T>A on the coding strand, the complement: KIDINS220 is on the minus strand). VCF-style: chr2-8803053-A-T. GRCh37 (hg19) VCF-style: chr2-8943183-A-T.
Other names: c.681T>A, p.Asn227Lys (NM_001348729.2, NM_001348731.2, NM_001348734.2 and 3 more transcripts); c.678T>A, p.Asn226Lys (NM_001348732.2, NM_001348735.2, NM_001348738.2 and 3 more transcripts); c.552T>A, p.Asn184Lys (NM_001348736.2); short protein forms N184K, N227K, N226K.
Identifiers: ClinVar variation 2803694 (VCV002803694.3), dbSNP rs1674942729, ClinGen allele CA345773113.
Genomic context (GRCh38, chr2:8,803,053, plus strand): 5'-CTCCTTTGATGCAATCATCAAAGCTGTATTTCCATCTTTATCTGTTAAGTTTACATTTGG[A>T]TTCCTCTTCAAAATTTCTTTTACTGACTGTGTGTAACCTCCTTTCACTGCCACAATAAGT-3'
Protein context (NP_065789.1, residues 216-236): TQSVKEILKR[Asn226Lys]PNVNLTDKDG